The following is an entry in ClinVar:

NM_022740.5(HIPK2):c.1340G>T (p.Arg447Ile)

Gene: HIPK2 (homeodomain interacting protein kinase 2; minus strand). Cytogenetic location: 7q34.
Variant type: single nucleotide variant.
Coding change: c.1340G>T on transcript NM_022740.5 (MANE Select); coding-DNA position 1340, G replaced by T.
Protein change: p.Arg447Ile; replaces arginine 447 with isoleucine.
Molecular consequence: missense variant.
Genome position (GRCh38, 1-based): chr7:139,631,172, C>A on the plus strand (G>T on the coding strand, the complement: HIPK2 is on the minus strand). VCF-style: chr7-139631172-C-A. GRCh37 (hg19) VCF-style: chr7-139315918-C-A.
Other names: c.1340G>T, p.Arg447Ile (NM_001113239.3); short protein forms R447I.
Identifiers: ClinVar variation 3857880 (VCV003857880.1).

ClinVar aggregate classification (germline): Uncertain significance (1 of 4 stars; one submission).

Submission:

Ambry Genetics
Classification: Uncertain significance. Last evaluated: 2025-02-13. Review status: criteria provided, single submitter. Criteria: Ambry Variant Classification Scheme 2023. Collection method: clinical testing. Allele origin: germline.
Comment: The c.1340G>T (p.R447I) alteration is located in exon (coding exon ) of the HIPK2 gene. This alteration results from a G to T substitution at nucleotide position 1340, causing the arginine (R) at amino acid position 447 to be replaced by an isoleucine (I). Based on insufficient or conflicting evidence, the clinical significance of this alteration remains unclear.